The following is an entry in ClinVar:

ClinVar aggregate classification (germline): Likely benign. Review status: criteria provided, single submitter (1 of 4 stars). 2 submissions from 2 submitters: Likely benign (1). 1 of the submissions does not count toward it. Last evaluated 2024-08-20.

Conditions:
SEMA3E-related disorder. Also called: SEMA3E-related condition.
CHARGE syndrome (CHARGE). Also called: Hittner Hirsch Kreh syndrome; CHARGE ASSOCIATION--COLOBOMA, HEART ANOMALY, CHOANAL ATRESIA, RETARDATION, GENITAL AND EAR ANOMALIES; Coloboma, heart anomaly, choanal atresia, retardation, genital and ear anomalies; CHARGE association; Hall-Hittner syndrome. Identifiers: Orphanet 138, MedGen C0265354, MONDO:0008965.

gnomAD v4.1: 1 of 1,612,102 alleles (0.000062%); highest among the groups gnomAD compares: Non-Finnish European, 0.000085%; no homozygotes.

Submissions (2):

Labcorp Genetics (formerly Invitae), Labcorp
Classification: Likely benign for CHARGE syndrome. Last evaluated: 2024-08-20. Review status: criteria provided, single submitter. Criteria: Invitae Variant Classification Sherloc (09022015). Collection method: clinical testing. Allele origin: germline.

PreventionGenetics, part of Exact Sciences
Classification: Likely benign for SEMA3E-related condition. Last evaluated: 2021-09-23. Review status: no assertion criteria provided. Collection method: clinical testing. Allele origin: germline. Not counted in ClinVar's aggregate classification.
Comment: This variant is classified as likely benign based on ACMG/AMP sequence variant interpretation guidelines (Richards et al. 2015 PMID: 25741868, with internal and published modifications).

NM_012431.3(SEMA3E):c.505A>C (p.Arg169=)

Gene: SEMA3E (semaphorin 3E; minus strand). Cytogenetic location: 7q21.11.
Variant type: single nucleotide variant.
Coding change: c.505A>C on transcript NM_012431.3 (MANE Select); coding-DNA position 505, A replaced by C.
Protein change: p.Arg169=; no amino-acid change (arginine 169 retained).
Molecular consequence: synonymous variant.
Genome position (GRCh38, 1-based): chr7:83,418,435, T>G on the plus strand (A>C on the coding strand, the complement: SEMA3E is on the minus strand). VCF-style: chr7-83418435-T-G. GRCh37 (hg19) VCF-style: chr7-83047751-T-G.
Other names: c.325A>C, p.Arg109= (NM_001178129.2).
Identifiers: ClinVar variation 3350319 (VCV003350319.3).